The following is an entry in ClinVar:

ClinVar aggregate classification (germline): Uncertain significance (1 of 4 stars; one submission).

Conditions:
Deficiency of adenosine deaminase 2. Also called: Adenosine Deaminase 2 Deficiency; VASCULITIS, AUTOINFLAMMATION, IMMUNODEFICIENCY, AND HEMATOLOGIC DEFECTS SYNDROME; Polyarteritis nodosa, childhoood-onset. Identifiers: Orphanet 404553, MedGen C3887654, MONDO:0014306, OMIM 615688, MONDO:0100317.

Submission:

Labcorp Genetics (formerly Invitae), Labcorp
Classification: Uncertain significance for Deficiency of adenosine deaminase 2. Last evaluated: 2025-07-28. Review status: criteria provided, single submitter. Criteria: Invitae Variant Classification Sherloc (09022015). Collection method: clinical testing. Allele origin: germline.
Comment: This sequence change replaces serine, which is neutral and polar, with threonine, which is neutral and polar, at codon 215 of the ADA2 protein (p.Ser215Thr). This variant is not present in population databases (gnomAD no frequency). This variant has not been reported in the literature in individuals affected with ADA2-related conditions. ClinVar contains an entry for this variant (Variation ID: 2092757). Invitae Evidence Modeling of protein sequence and biophysical properties (such as structural, functional, and spatial information, amino acid conservation, physicochemical variation, residue mobility, and thermodynamic stability) indicates that this missense variant is not expected to disrupt ADA2 protein function with a negative predictive value of 80%. In summary, the available evidence is currently insufficient to determine the role of this variant in disease. Therefore, it has been classified as a Variant of Uncertain Significance.

NM_001282225.2(ADA2):c.643T>A (p.Ser215Thr)

Gene: ADA2 (adenosine deaminase 2; minus strand). Cytogenetic location: 22q11.1.
Variant type: single nucleotide variant.
Coding change: c.643T>A on transcript NM_001282225.2 (MANE Select); coding-DNA position 643, T replaced by A.
Protein change: p.Ser215Thr; replaces serine 215 with threonine.
Molecular consequence: missense variant.
Genome position (GRCh38, 1-based): chr22:17,203,673, A>T on the plus strand (T>A on the coding strand, the complement: ADA2 is on the minus strand). VCF-style: chr22-17203673-A-T. GRCh37 (hg19) VCF-style: chr22-17684563-A-T.
Other names: c.643T>A, p.Ser215Thr (NM_001282226.2); c.517T>A, p.Ser173Thr (NM_001282227.2, NM_001282228.2); c.283T>A, p.Ser95Thr (NM_001282229.2); short protein forms S173T, S215T, S95T.
Identifiers: ClinVar variation 2092757 (VCV002092757.4), dbSNP rs2517346561, ClinGen allele CA410228420.